The following is an entry in ClinVar:

ClinVar aggregate classification (germline): Uncertain significance. Review status: criteria provided, multiple submitters, no conflicts (2 of 4 stars). 2 submissions from 2 submitters: Uncertain significance (2). Last evaluated 2022-11-29.

Conditions:
Autosomal recessive limb-girdle muscular dystrophy type 2W (MDRCMTT). Also called: Muscular dystrophy, limb-girdle, type 2W; Muscular dystrophy, autosomal recessive, with cardiomyopathy and triangular tongue. Identifiers: MedGen C4225192, MONDO:0014788, OMIM 616827.

Allele frequency attached by ClinVar (database versions not stated): gnomAD 0.00009; gnomAD exomes 0.00017; TOPMed 0.00018.
gnomAD v4.1: 198 of 1,230,198 alleles (0.016%); highest among the groups gnomAD compares: Non-Finnish European, 0.019%; no homozygotes.

Submissions (2):

Labcorp Genetics (formerly Invitae), Labcorp
Classification: Uncertain significance for Autosomal recessive limb-girdle muscular dystrophy type 2W. Last evaluated: 2022-11-29. Review status: criteria provided, single submitter. Criteria: Invitae Variant Classification Sherloc (09022015). Collection method: clinical testing. Allele origin: germline.
Comment: ClinVar contains an entry for this variant (Variation ID: 639785). This variant has not been reported in the literature in individuals affected with LIMS2-related conditions. This variant is present in population databases (no rsID available, gnomAD 0.02%). This sequence change replaces arginine, which is basic and polar, with glycine, which is neutral and non-polar, at codon 20 of the LIMS2 protein (p.Arg20Gly). In summary, the available evidence is currently insufficient to determine the role of this variant in disease. Therefore, it has been classified as a Variant of Uncertain Significance. Algorithms developed to predict the effect of missense changes on protein structure and function (SIFT, PolyPhen-2, Align-GVGD) all suggest that this variant is likely to be tolerated.

Ambry Genetics
Classification: Uncertain significance. Last evaluated: 2022-11-07. Review status: criteria provided, single submitter. Criteria: Ambry Variant Classification Scheme 2023. Collection method: clinical testing. Allele origin: germline.

NM_001161403.3(LIMS2):c.12-6769C>G

Gene: LIMS2 (LIM zinc finger domain containing 2; minus strand). Cytogenetic location: 2q14.3.
Variant type: single nucleotide variant.
Coding change: c.12-6769C>G on transcript NM_001161403.3 (MANE Select); 6769 bases into the intron before coding-DNA position 12, C replaced by G.
Molecular consequence: intron variant. On other transcripts: missense variant (1).
Genome position (GRCh38, 1-based): chr2:127,664,331, G>C on the plus strand (C>G on the coding strand, the complement: LIMS2 is on the minus strand). VCF-style: chr2-127664331-G-C. GRCh37 (hg19) VCF-style: chr2-128421905-G-C.
Other names: c.58C>G, p.Arg20Gly (NM_017980.5); c.-4-6769C>G (NM_001161404.2); c.78-6769C>G (NM_001136037.4); short protein forms R20G.
Identifiers: ClinVar variation 639785 (VCV000639785.8), dbSNP rs924276736, ClinGen allele CA55389823.